The following is an entry in ClinVar:

ClinVar aggregate classification (germline): Uncertain significance. Review status: criteria provided, multiple submitters, no conflicts (2 of 4 stars). 3 submissions from 3 submitters: Uncertain significance (3). Last evaluated 2025-02-16.

Conditions:
ZTTK syndrome (ZTTKS). Also called: ZTTK MULTIPLE CONGENITAL ANOMALIES-MENTAL RETARDATION SYNDROME; Zhu-Tokita-Takenouchi-Kim Syndrome. Identifiers: Orphanet 500150, MedGen C4310696, MONDO:0014936, OMIM 617140.

Allele frequency attached by ClinVar (database versions not stated): TOPMed 0.00001.

Submissions (3):

Labcorp Genetics (formerly Invitae), Labcorp
Classification: Uncertain significance. Last evaluated: 2025-02-16. Review status: criteria provided, single submitter. Criteria: Invitae Variant Classification Sherloc (09022015). Collection method: clinical testing. Allele origin: germline.
Comment: This sequence change replaces arginine, which is basic and polar, with histidine, which is basic and polar, at codon 1993 of the SON protein (p.Arg1993His). This variant is not present in population databases (gnomAD no frequency). This variant has not been reported in the literature in individuals affected with SON-related conditions. ClinVar contains an entry for this variant (Variation ID: 1030018). Experimental studies and prediction algorithms are not available or were not evaluated, and the functional significance of this variant is currently unknown. In summary, the available evidence is currently insufficient to determine the role of this variant in disease. Therefore, it has been classified as a Variant of Uncertain Significance.

GeneDx
Classification: Uncertain significance. Last evaluated: 2024-05-14. Review status: criteria provided, single submitter. Criteria: GeneDx Variant Classification Process June 2021. Collection method: clinical testing. Allele origin: germline. Affected: yes.
Comment: Not observed at significant frequency in large population cohorts (gnomAD); In silico analysis indicates that this missense variant does not alter protein structure/function; Has not been previously published as pathogenic or benign to our knowledge

Baylor Genetics
Classification: Uncertain significance for ZTTK syndrome. Last evaluated: 2020-07-28. Review status: criteria provided, single submitter. Criteria: ACMG Guidelines, 2015. Collection method: clinical testing. Allele origin: unknown. Affected: yes.
Comment: This variant was determined to be of uncertain significance according to ACMG Guidelines, 2015 [PMID:25741868].

NM_138927.4(SON):c.5978G>A (p.Arg1993His)

Gene: SON (SON DNA and RNA binding protein; plus strand). Cytogenetic location: 21q22.11.
Variant type: single nucleotide variant.
Coding change: c.5978G>A on transcript NM_138927.4 (MANE Select); coding-DNA position 5978, G replaced by A.
Protein change: p.Arg1993His; replaces arginine 1993 with histidine.
Molecular consequence: missense variant. On other transcripts: non-coding transcript variant (1), intron variant (1).
Genome position (GRCh38, 1-based): chr21:33,555,209, G>A. VCF-style: chr21-33555209-G-A. GRCh37 (hg19) VCF-style: chr21-34927515-G-A.
Other names: c.5978G>A (NM_138927.2); c.5978G>A, p.Arg1993His (NM_001291411.2, NM_032195.3); c.245-1947G>A (NM_001291412.3); short protein forms R1993H.
Identifiers: ClinVar variation 1030018 (VCV001030018.3), dbSNP rs1241567565, ClinGen allele CA410165920.
Genomic context (GRCh38, chr21:33,555,209, plus strand): 5'-CCCCCAGCCGCCGCAGCCGCACCCCCAGCCGCCGGAGCCGCACCCCTAGCCGTCGGAGCC[G>A]CACCCCAAGCCGCCGGAGAAGATCAAGGTCTGTGGTAAGAAGACGAAGCTTCAGTATCTC-3'
Protein context (NP_620305.3, residues 1983-2003): RRSRTPSRRS[Arg1993His]TPSRRRRSRS